The following is an entry in ClinVar:

NM_015311.3(OBSL1):c.3275A>G (p.His1092Arg)

Gene: OBSL1 (obscurin like cytoskeletal adaptor 1; minus strand). Cytogenetic location: 2q35.
Variant type: single nucleotide variant.
Coding change: c.3275A>G on transcript NM_015311.3 (MANE Select); coding-DNA position 3275, A replaced by G.
Protein change: p.His1092Arg; replaces histidine 1092 with arginine.
Molecular consequence: missense variant.
Genome position (GRCh38, 1-based): chr2:219,558,411, T>C on the plus strand (A>G on the coding strand, the complement: OBSL1 is on the minus strand). VCF-style: chr2-219558411-T-C. GRCh37 (hg19) VCF-style: chr2-220423133-T-C.
Other names: c.3275A>G, p.His1092Arg (NM_001173431.2); short protein forms H1092R.
Identifiers: ClinVar variation 895853 (VCV000895853.14), dbSNP rs755507712, ClinGen allele CA2130911.

ClinVar aggregate classification (germline): Uncertain significance. Review status: criteria provided, multiple submitters, no conflicts (2 of 4 stars). 3 submissions from 3 submitters: Uncertain significance (3). Last evaluated 2021-06-11.

Conditions:
Inborn genetic diseases. Identifiers: MedGen C0950123, MeSH D030342.
3M syndrome 2. Also called: 3-M Syndrome, OBSL1-Related; THREE M SYNDROME 2. Identifiers: Orphanet 2616, MedGen C2752041, MONDO:0013039, OMIM 612921.

Allele frequency attached by ClinVar (database versions not stated): gnomAD exomes 0.00001 and 0.00004; TOPMed 0.00002; gnomAD 0.00003 and 0.00004; ExAC 0.00006.
gnomAD v4.1: 26 of 1,602,430 alleles (0.0016%); highest among the groups gnomAD compares: East Asian, 0.0023%; no homozygotes.

Submissions (3):

Ambry Genetics
Classification: Uncertain significance for Inborn genetic diseases. Last evaluated: 2021-06-11. Review status: criteria provided, single submitter. Criteria: Ambry Variant Classification Scheme 2023. Collection method: clinical testing. Allele origin: germline.

Labcorp Genetics (formerly Invitae), Labcorp
Classification: Uncertain significance. Last evaluated: 2021-04-29. Review status: criteria provided, single submitter. Criteria: Invitae Variant Classification Sherloc (09022015). Collection method: clinical testing. Allele origin: germline.
Comment: In summary, the available evidence is currently insufficient to determine the role of this variant in disease. Therefore, it has been classified as a Variant of Uncertain Significance. Algorithms developed to predict the effect of missense changes on protein structure and function (SIFT, PolyPhen-2, Align-GVGD) all suggest that this variant is likely to be tolerated, but these predictions have not been confirmed by published functional studies and their clinical significance is uncertain. This variant has not been reported in the literature in individuals with OBSL1-related conditions. ClinVar contains an entry for this variant (Variation ID: 895853). This variant is present in population databases (rs755507712, ExAC 0.01%). This sequence change replaces histidine with arginine at codon 1092 of the OBSL1 protein (p.His1092Arg). The histidine residue is weakly conserved and there is a small physicochemical difference between histidine and arginine.

Illumina Laboratory Services, Illumina
Classification: Uncertain significance for 3M syndrome 2. Last evaluated: 2018-01-12. Review status: criteria provided, single submitter. Criteria: ICSL Variant Classification Criteria 13 December 2019. Collection method: clinical testing. Allele origin: germline.